The following is an entry in ClinVar:

NM_017999.5(RNF31):c.970G>T (p.Asp324Tyr)

Gene: RNF31 (ring finger protein 31; plus strand). Cytogenetic location: 14q12.
Variant type: single nucleotide variant.
Coding change: c.970G>T on transcript NM_017999.5 (MANE Select); coding-DNA position 970, G replaced by T.
Protein change: p.Asp324Tyr; replaces aspartic acid 324 with tyrosine.
Molecular consequence: missense variant.
Genome position (GRCh38, 1-based): chr14:24,150,221, G>T. VCF-style: chr14-24150221-G-T. GRCh37 (hg19) VCF-style: chr14-24619430-G-T.
Other names: c.970G>T (NM_017999.4); c.517G>T, p.Asp173Tyr (NM_001310332.2); short protein forms D173Y, D324Y.
Identifiers: ClinVar variation 1469066 (VCV001469066.9), dbSNP rs761063984, ClinGen allele CA7125669.

ClinVar aggregate classification (germline): Uncertain significance. Review status: criteria provided, multiple submitters, no conflicts (2 of 4 stars). 2 submissions from 2 submitters: Uncertain significance (2). Last evaluated 2025-03-18.

Allele frequency attached by ClinVar (database versions not stated): gnomAD exomes 0.00001 and 0.00002; ExAC 0.00002; TOPMed 0.00006; gnomAD 0.00007 and 0.00009.
gnomAD v4.1: 17 of 1,614,094 alleles (0.0011%); highest among the groups gnomAD compares: African/African-American, 0.021%; no homozygotes.

Submissions (2):

Labcorp Genetics (formerly Invitae), Labcorp
Classification: Uncertain significance. Last evaluated: 2025-03-18. Review status: criteria provided, single submitter. Criteria: Invitae Variant Classification Sherloc (09022015). Collection method: clinical testing. Allele origin: germline.
Comment: This sequence change replaces aspartic acid, which is acidic and polar, with tyrosine, which is neutral and polar, at codon 324 of the RNF31 protein (p.Asp324Tyr). The frequency data for this variant in the population databases is considered unreliable, as metrics indicate poor data quality at this position in the gnomAD database. This variant has not been reported in the literature in individuals affected with RNF31-related conditions. ClinVar contains an entry for this variant (Variation ID: 1469066). An algorithm developed to predict the effect of missense changes on protein structure and function (PolyPhen-2) suggests that this variant is likely to be disruptive. In summary, the available evidence is currently insufficient to determine the role of this variant in disease. Therefore, it has been classified as a Variant of Uncertain Significance.

Ambry Genetics
Classification: Uncertain significance. Last evaluated: 2024-06-13. Review status: criteria provided, single submitter. Criteria: Ambry Variant Classification Scheme 2023. Collection method: clinical testing. Allele origin: germline.